The following is an entry in ClinVar:

ClinVar aggregate classification (germline): Likely benign (1 of 4 stars; one submission).

gnomAD v4.1: 1 of 1,607,300 alleles (0.000062%); highest among the groups gnomAD compares: Non-Finnish European, 0.000085%; no homozygotes.

Submission:

CeGaT Center for Human Genetics Tuebingen
Classification: Likely benign. Last evaluated: 2025-02-01. Review status: criteria provided, single submitter. Criteria: CeGaT Center For Human Genetics Tuebingen Variant Classification Criteria Version 2. Collection method: clinical testing. Allele origin: germline. Affected: yes. Observed: 1 variant allele.
Comment: HNMT: BP4, BP7

NM_006895.3(HNMT):c.267G>A (p.Glu89=)

Gene: HNMT (histamine N-methyltransferase; plus strand). Cytogenetic location: 2q22.1.
Variant type: single nucleotide variant.
Coding change: c.267G>A on transcript NM_006895.3 (MANE Select); coding-DNA position 267, G replaced by A.
Protein change: p.Glu89=; no amino-acid change (glutamic acid 89 retained).
Molecular consequence: synonymous variant.
Genome position (GRCh38, 1-based): chr2:138,000,994, G>A. VCF-style: chr2-138000994-G-A. GRCh37 (hg19) VCF-style: chr2-138758564-G-A.
Identifiers: ClinVar variation 3772461 (VCV003772461.13).